The following is an entry in ClinVar:

NM_006178.4(NSF):c.1530G>A (p.Trp510Ter)

Genes: LRRC37A2 (leucine rich repeat containing 37 member A2), NSF (N-ethylmaleimide sensitive factor, vesicle fusing ATPase; plus strand). Cytogenetic location: 17q21.31.
Variant type: single nucleotide variant.
Coding change: c.1530G>A on transcript NM_006178.4 (MANE Select); coding-DNA position 1530, G replaced by A.
Protein change: p.Trp510Ter; replaces tryptophan 510 with a stop codon.
Molecular consequence: nonsense. On other transcripts: non-coding transcript variant (1).
Genome position (GRCh38, 1-based): chr17:46,711,022, G>A. VCF-style: chr17-46711022-G-A. GRCh37 (hg19) VCF-style: chr17-44788388-G-A.
Other names: short protein forms W510*.
Identifiers: ClinVar variation 4975217 (VCV004975217.1).
Genomic context (GRCh38, chr17:46,711,022, plus strand): 5'-GGCCTTTGGCACAAACCAAGAAGATTATGCAAGTTACATTATGAACGGTATCATCAAATG[G>A]GGTGACCCAGTTACTCGAGTTCTAGATGATGGGGAGCTGCTGGTGCAGCAGACTAAGAAC-3'

ClinVar aggregate classification (germline): Uncertain significance (1 of 4 stars; one submission).

Submission:

GeneDx
Classification: Uncertain significance. Last evaluated: 2026-01-23. Review status: criteria provided, single submitter. Criteria: GeneDx Variant Classification Process June 2021. Collection method: clinical testing. Allele origin: germline.
Comment: Not observed at significant frequency in large population cohorts (gnomAD); Has not been previously published as pathogenic or benign to our knowledge; Nonsense variant predicted to result in protein truncation or nonsense mediated decay in a gene or region of a gene for which loss of function is not an established mechanism of disease